The following is an entry in ClinVar:

ClinVar aggregate classification (germline): Pathogenic (1 of 4 stars; one submission).

Conditions:
Nemaline myopathy 2 (NEM2). Also called: Nemaline myopathy 2, autosomal recessive. Identifiers: MedGen C1850569, MONDO:0009725, OMIM 256030.

Submission:

Labcorp Genetics (formerly Invitae), Labcorp
Classification: Pathogenic for Nemaline myopathy 2. Last evaluated: 2023-10-08. Review status: criteria provided, single submitter. Criteria: Invitae Variant Classification Sherloc (09022015). Collection method: clinical testing. Allele origin: germline.
Comment: This sequence change creates a premature translational stop signal (p.Lys774*) in the NEB gene. It is expected to result in an absent or disrupted protein product. Loss-of-function variants in NEB are known to be pathogenic (PMID: 25205138). This variant is not present in population databases (gnomAD no frequency). This variant has not been reported in the literature in individuals affected with NEB-related conditions. For these reasons, this variant has been classified as Pathogenic.

Literature cited by the submitters: PubMed 25205138.

NM_001164508.2(NEB):c.2320A>T (p.Lys774Ter)

Gene: NEB (nebulin; minus strand). Cytogenetic location: 2q23.3.
Variant type: single nucleotide variant.
Coding change: c.2320A>T on transcript NM_001164508.2 (MANE Select); coding-DNA position 2320, A replaced by T.
Protein change: p.Lys774Ter; replaces lysine 774 with a stop codon.
Molecular consequence: nonsense.
Genome position (GRCh38, 1-based): chr2:151,688,387, T>A on the plus strand (A>T on the coding strand, the complement: NEB is on the minus strand). VCF-style: chr2-151688387-T-A. GRCh37 (hg19) VCF-style: chr2-152544901-T-A.
Other names: c.2320A>T, p.Lys774Ter (NM_001164507.2, NM_001271208.2, NM_004543.5); short protein forms K774*.
Identifiers: ClinVar variation 2766794 (VCV002766794.3), dbSNP rs2552266638, ClinGen allele CA348823263.